The following is an entry in ClinVar:

ClinVar aggregate classification (germline): Uncertain significance (1 of 4 stars; one submission).

Allele frequency attached by ClinVar (database versions not stated): gnomAD exomes below 0.00001; gnomAD 0.00001; TOPMed 0.00001.
gnomAD v4.1: 3 of 1,614,024 alleles (0.00019%); highest among the groups gnomAD compares: African/African-American, 0.004%; no homozygotes.

Submission:

Labcorp Genetics (formerly Invitae), Labcorp
Classification: Uncertain significance. Last evaluated: 2022-08-22. Review status: criteria provided, single submitter. Criteria: Invitae Variant Classification Sherloc (09022015). Collection method: clinical testing. Allele origin: germline.
Comment: This variant is present in population databases (no rsID available, gnomAD 0.01%). In summary, the available evidence is currently insufficient to determine the role of this variant in disease. Therefore, it has been classified as a Variant of Uncertain Significance. Algorithms developed to predict the effect of missense changes on protein structure and function are either unavailable or do not agree on the potential impact of this missense change (SIFT: "Tolerated"; PolyPhen-2: "Possibly Damaging"; Align-GVGD: "Class C0"). This variant has not been reported in the literature in individuals affected with KIAA0753-related conditions. This sequence change replaces aspartic acid, which is acidic and polar, with valine, which is neutral and non-polar, at codon 615 of the KIAA0753 protein (p.Asp615Val).

NM_014804.3(KIAA0753):c.1844A>T (p.Asp615Val)

Gene: KIAA0753 (KIAA0753; minus strand). Cytogenetic location: 17p13.1.
Variant type: single nucleotide variant.
Coding change: c.1844A>T on transcript NM_014804.3 (MANE Select); coding-DNA position 1844, A replaced by T.
Protein change: p.Asp615Val; replaces aspartic acid 615 with valine.
Molecular consequence: missense variant. On other transcripts: non-coding transcript variant (3).
Genome position (GRCh38, 1-based): chr17:6,607,256, T>A on the plus strand (A>T on the coding strand, the complement: KIAA0753 is on the minus strand). VCF-style: chr17-6607256-T-A. GRCh37 (hg19) VCF-style: chr17-6510576-T-A.
Other names: c.947A>T, p.Asp316Val (NM_001351225.2); short protein forms D316V, D615V.
Identifiers: ClinVar variation 1717713 (VCV001717713.5), dbSNP rs1358513104, ClinGen allele CA397408700.